The following is an entry in ClinVar:

NM_004329.3(BMPR1A):c.71A>C (p.Gln24Pro)

Gene: BMPR1A (bone morphogenetic protein receptor type 1A; plus strand). Cytogenetic location: 10q23.2.
Variant type: single nucleotide variant.
Coding change: c.71A>C on transcript NM_004329.3 (MANE Select); coding-DNA position 71, A replaced by C.
Protein change: p.Gln24Pro; replaces glutamine 24 with proline.
Molecular consequence: missense variant. On other transcripts: non-coding transcript variant (3), splice acceptor variant (2), 5 prime UTR variant (3).
Genome position (GRCh38, 1-based): chr10:86,890,065, A>C. VCF-style: chr10-86890065-A-C. GRCh37 (hg19) VCF-style: chr10-88649822-A-C.
Other names: c.71A>C, p.Gln24Pro (NM_001406559.1, NM_001406560.1, NM_001406561.1 and 23 more transcripts); c.-12-2A>C (NM_001406588.1, NM_001406586.1); c.-14A>C (NM_001406584.1, NM_001406585.1, NM_001406587.1); short protein forms Q24P.
Identifiers: ClinVar variation 4867559 (VCV004867559.1).

ClinVar aggregate classification (germline): Uncertain significance (1 of 4 stars; one submission).

Conditions:
Hereditary cancer-predisposing syndrome. Also called: Neoplastic Syndromes, Hereditary; Tumor predisposition; Hereditary Cancer Syndrome; Hereditary neoplastic syndrome. Identifiers: Orphanet 140162, MedGen C0027672, MeSH D009386, MONDO:0015356.

Submission:

Ambry Genetics
Classification: Uncertain significance for Hereditary cancer-predisposing syndrome. Last evaluated: 2026-05-02. Review status: criteria provided, single submitter. Criteria: Ambry Variant Classification Scheme 2023. Collection method: clinical testing. Allele origin: germline.
Comment: The p.Q24P variant (also known as c.71A>C), located in coding exon 2 of the BMPR1A gene, results from an A to C substitution at nucleotide position 71. The glutamine at codon 24 is replaced by proline, an amino acid with similar properties. This amino acid position is conserved. In addition, this alteration is predicted to be deleterious by in silico analysis. Based on the available evidence, the clinical significance of this variant remains unclear.